The following is an entry in ClinVar:

NM_021098.3(CACNA1H):c.2975C>T (p.Ala992Val)

Gene: CACNA1H (calcium voltage-gated channel subunit alpha1 H; plus strand). Cytogenetic location: 16p13.3.
Variant type: single nucleotide variant.
Coding change: c.2975C>T on transcript NM_021098.3 (MANE Select); coding-DNA position 2975, C replaced by T.
Protein change: p.Ala992Val; replaces alanine 992 with valine.
Molecular consequence: missense variant.
Genome position (GRCh38, 1-based): chr16:1,207,342, C>T. VCF-style: chr16-1207342-C-T. GRCh37 (hg19) VCF-style: chr16-1257342-C-T.
Other names: c.2975C>T, p.Ala992Val (NM_001005407.2); short protein forms A992V.
Identifiers: ClinVar variation 1975099 (VCV001975099.6), dbSNP rs1271757663, ClinGen allele CA394170371.

ClinVar aggregate classification (germline): Uncertain significance. Review status: criteria provided, multiple submitters, no conflicts (2 of 4 stars). 2 submissions from 2 submitters: Uncertain significance (2). Last evaluated 2024-11-11.

Conditions:
Hyperaldosteronism, familial, type IV (HALD4). Also called: FH IV; ALDOSTERONISM, PRIMARY, AND HYPERTENSION. Identifiers: Orphanet 642671, MedGen C4310756, MONDO:0014875, OMIM 617027.
Epilepsy, childhood absence, susceptibility to, 6. Identifiers: Orphanet 64280, MedGen C2749872, MONDO:0012763, OMIM 611942.
Idiopathic generalized epilepsy. Also called: Generalised epilepsy; EIG. Identifiers: MedGen C0270850, MONDO:0005579, OMIM 600669.

Allele frequency attached by ClinVar (database versions not stated): gnomAD exomes 0.00001; TOPMed 0.00001; gnomAD 0.00002.
gnomAD v4.1: 20 of 1,612,352 alleles (0.0012%); highest among the groups gnomAD compares: African/African-American, 0.0027%; no homozygotes.

Submissions (2):

Labcorp Genetics (formerly Invitae), Labcorp
Classification: Uncertain significance for Idiopathic generalized epilepsy; Hyperaldosteronism, familial, type IV. Last evaluated: 2024-11-11. Review status: criteria provided, single submitter. Criteria: Invitae Variant Classification Sherloc (09022015). Collection method: clinical testing. Allele origin: germline.
Comment: This sequence change replaces alanine, which is neutral and non-polar, with valine, which is neutral and non-polar, at codon 992 of the CACNA1H protein (p.Ala992Val). This variant is present in population databases (no rsID available, gnomAD 0.01%). This variant has not been reported in the literature in individuals affected with CACNA1H-related conditions. ClinVar contains an entry for this variant (Variation ID: 1975099). Invitae Evidence Modeling of protein sequence and biophysical properties (such as structural, functional, and spatial information, amino acid conservation, physicochemical variation, residue mobility, and thermodynamic stability) indicates that this missense variant is expected to disrupt CACNA1H protein function with a positive predictive value of 80%. In summary, the available evidence is currently insufficient to determine the role of this variant in disease. Therefore, it has been classified as a Variant of Uncertain Significance.

Fulgent Genetics
Classification: Uncertain significance for Epilepsy, childhood absence, susceptibility to, 6; Hyperaldosteronism, familial, type IV. Last evaluated: 2024-03-31. Review status: criteria provided, single submitter. Criteria: ACMG Guidelines, 2015. Collection method: clinical testing. Allele origin: germline.